The following is an entry in ClinVar:

ClinVar aggregate classification (germline): Uncertain significance (1 of 4 stars; one submission).

Submission:

GeneDx
Classification: Uncertain significance. Last evaluated: 2026-03-18. Review status: criteria provided, single submitter. Criteria: GeneDx Variant Classification Process June 2021. Collection method: clinical testing. Allele origin: germline.
Comment: Not observed at significant frequency in large population cohorts (gnomAD); In silico analysis supports that this missense variant has a deleterious effect on protein structure/function; Has not been previously published as pathogenic or benign to our knowledge

NM_006265.3(RAD21):c.100G>A (p.Glu34Lys)

Gene: RAD21 (RAD21 cohesin complex component; minus strand). Cytogenetic location: 8q24.11.
Variant type: single nucleotide variant.
Coding change: c.100G>A on transcript NM_006265.3 (MANE Select); coding-DNA position 100, G replaced by A.
Protein change: p.Glu34Lys; replaces glutamic acid 34 with lysine.
Molecular consequence: missense variant.
Genome position (GRCh38, 1-based): chr8:116,866,630, C>T on the plus strand (G>A on the coding strand, the complement: RAD21 is on the minus strand). VCF-style: chr8-116866630-C-T. GRCh37 (hg19) VCF-style: chr8-117878869-C-T.
Other names: short protein forms E34K.
Identifiers: ClinVar variation 5009458 (VCV005009458.1).